The following is an entry in ClinVar:

ClinVar aggregate classification (germline): Uncertain significance (1 of 4 stars; one submission).

Conditions:
Familial hemophagocytic lymphohistiocytosis 3 (FHL3). Also called: UNC13D-Related Familial Hemophagocytic Lymphohistiocytosis (UNC13D-fHLH). Identifiers: Orphanet 540, MedGen C1837174, MONDO:0012146, OMIM 608898.

Allele frequency attached by ClinVar (database versions not stated): gnomAD exomes below 0.00001.
gnomAD v4.1: 1 of 1,613,772 alleles (0.000062%); highest among the groups gnomAD compares: Non-Finnish European, 0.000085%; no homozygotes.

Submission:

Labcorp Genetics (formerly Invitae), Labcorp
Classification: Uncertain significance for Familial hemophagocytic lymphohistiocytosis 3. Last evaluated: 2021-05-31. Review status: criteria provided, single submitter. Criteria: Invitae Variant Classification Sherloc (09022015). Collection method: clinical testing. Allele origin: germline.
Comment: In summary, the available evidence is currently insufficient to determine the role of this variant in disease. Therefore, it has been classified as a Variant of Uncertain Significance. Algorithms developed to predict the effect of missense changes on protein structure and function are either unavailable or do not agree on the potential impact of this missense change (SIFT: "Not Available"; PolyPhen-2: "Benign"; Align-GVGD: "Not Available"). This variant has not been reported in the literature in individuals with UNC13D-related conditions. This variant is not present in population databases (ExAC no frequency). This sequence change replaces isoleucine with threonine at codon 410 of the UNC13D protein (p.Ile410Thr). The isoleucine residue is weakly conserved and there is a moderate physicochemical difference between isoleucine and threonine.

NM_199242.3(UNC13D):c.1229T>C (p.Ile410Thr)

Gene: UNC13D (unc-13 homolog D; minus strand). Cytogenetic location: 17q25.1.
Variant type: single nucleotide variant.
Coding change: c.1229T>C on transcript NM_199242.3 (MANE Select); coding-DNA position 1229, T replaced by C.
Protein change: p.Ile410Thr; replaces isoleucine 410 with threonine.
Molecular consequence: missense variant.
Genome position (GRCh38, 1-based): chr17:75,836,641, A>G on the plus strand (T>C on the coding strand, the complement: UNC13D is on the minus strand). VCF-style: chr17-75836641-A-G. GRCh37 (hg19) VCF-style: chr17-73832722-A-G.
Other names: short protein forms I410T.
Identifiers: ClinVar variation 1357915 (VCV001357915.8), dbSNP rs2143882443, ClinGen allele CA401100955.